The following is an entry in ClinVar:

NM_032043.3(BRIP1):c.2749A>G (p.Ser917Gly)

Gene: BRIP1 (BRCA1 interacting DNA helicase 1; minus strand). Cytogenetic location: 17q23.2.
Variant type: single nucleotide variant.
Coding change: c.2749A>G on transcript NM_032043.3 (MANE Select); coding-DNA position 2749, A replaced by G.
Protein change: p.Ser917Gly; replaces serine 917 with glycine.
Molecular consequence: missense variant.
Genome position (GRCh38, 1-based): chr17:61,685,992, T>C on the plus strand (A>G on the coding strand, the complement: BRIP1 is on the minus strand). VCF-style: chr17-61685992-T-C. GRCh37 (hg19) VCF-style: chr17-59763353-T-C.
Other names: short protein forms S917G.
Identifiers: ClinVar variation 821754 (VCV000821754.15), dbSNP rs1603276749, ClinGen allele CA400481609.
Genomic context (GRCh38, chr17:61,685,992, plus strand): 5'-CTTCCACAAAATTTTCTGGTGATAGATGACTTGCTGCTTCCAGTAAATAAGGTGAGGTAC[T>C]GTACTTTAAAGAGGTCACTTCAAGTGTAGACTCATTGTCCTGTATATTGGTTCTGTCCTT-3'
Protein context (NP_114432.2, residues 907-927): STLEVTSLKY[Ser917Gly]TSPYLLEAAS

ClinVar aggregate classification (germline): Uncertain significance. Review status: criteria provided, multiple submitters, no conflicts (2 of 4 stars). 2 submissions from 2 submitters: Uncertain significance (2). Last evaluated 2024-09-19.

Conditions:
Familial cancer of breast. Also called: Hereditary breast cancer; hereditary breast carcinoma; BREAST CANCER, FAMILIAL. Identifiers: Orphanet 227535, MedGen C0346153, MONDO:0016419, OMIM 114480. Disease mechanism: loss of function.
Fanconi anemia complementation group J. Also called: BRIP1-Related Fanconi Anemia. Identifiers: Orphanet 84, MedGen C1836860, MONDO:0012187, OMIM 609054.
Hereditary cancer-predisposing syndrome. Also called: Hereditary Cancer Syndrome; Neoplastic Syndromes, Hereditary; Hereditary neoplastic syndrome; Tumor predisposition. Identifiers: Orphanet 140162, MedGen C0027672, MeSH D009386, MONDO:0015356.

Submissions (2):

Labcorp Genetics (formerly Invitae), Labcorp
Classification: Uncertain significance for Familial cancer of breast; Fanconi anemia complementation group J. Last evaluated: 2024-09-19. Review status: criteria provided, single submitter. Criteria: Invitae Variant Classification Sherloc (09022015). Collection method: clinical testing. Allele origin: germline.
Comment: This sequence change replaces serine, which is neutral and polar, with glycine, which is neutral and non-polar, at codon 917 of the BRIP1 protein (p.Ser917Gly). This variant is not present in population databases (gnomAD no frequency). This variant has not been reported in the literature in individuals affected with BRIP1-related conditions. ClinVar contains an entry for this variant (Variation ID: 821754). Invitae Evidence Modeling of protein sequence and biophysical properties (such as structural, functional, and spatial information, amino acid conservation, physicochemical variation, residue mobility, and thermodynamic stability) indicates that this missense variant is not expected to disrupt BRIP1 protein function with a negative predictive value of 80%. In summary, the available evidence is currently insufficient to determine the role of this variant in disease. Therefore, it has been classified as a Variant of Uncertain Significance.

Ambry Genetics
Classification: Uncertain significance for Hereditary cancer-predisposing syndrome. Last evaluated: 2018-12-13. Review status: criteria provided, single submitter. Criteria: Ambry Variant Classification Scheme 2023. Collection method: clinical testing. Allele origin: germline.
Comment: The p.S917G variant (also known as c.2749A>G), located in coding exon 18 of the BRIP1 gene, results from an A to G substitution at nucleotide position 2749. The serine at codon 917 is replaced by glycine, an amino acid with similar properties. This amino acid position is poorly conserved in available vertebrate species. In addition, this alteration is predicted to be tolerated by in silico analysis. Since supporting evidence is limited at this time, the clinical significance of this alteration remains unclear.